The following is an entry in ClinVar:

ClinVar aggregate classification (germline): Conflicting classifications of pathogenicity. Review status: criteria provided, conflicting classifications (1 of 4 stars). 23 submissions from 23 submitters: Uncertain significance (2); Benign (2); Likely benign (13). 6 of the submissions do not count toward it. Last evaluated 2026-08-01.

Conditions:
BLM-related disorder. Also called: BLM-related condition.
Hereditary cancer-predisposing syndrome. Also called: Neoplastic Syndromes, Hereditary; Hereditary Cancer Syndrome; Tumor predisposition; Hereditary neoplastic syndrome. Identifiers: Orphanet 140162, MedGen C0027672, MeSH D009386, MONDO:0015356.
Bloom syndrome (BLM). Also called: Bloom-Torre-Machacek syndrome. Identifiers: Orphanet 125, MedGen C0005859, MONDO:0008876, OMIM 210900.

Allele frequency attached by ClinVar (database versions not stated): 1000 Genomes Project 30x 0.00094; 1000 Genomes Project 0.00100; TOPMed 0.00154; ExAC 0.00161; ESP Exome Variant Server 0.00162; gnomAD exomes 0.00164 and 0.00202; gnomAD 0.00166 and 0.00172.
gnomAD v4.1: 3,196 of 1,613,900 alleles (0.2%); highest among the groups gnomAD compares: Non-Finnish European, 0.23%; 6 homozygotes.

Submissions (23):

CeGaT Center for Human Genetics Tuebingen
Classification: Likely benign. Last evaluated: 2026-08-01. Review status: criteria provided, single submitter. Criteria: CeGaT Center For Human Genetics Tuebingen Variant Classification Criteria Version 2. Collection method: clinical testing. Allele origin: germline. Affected: yes. Observed: 30 variant alleles.
Comment: BLM: BP4, BS1

Labcorp Genetics (formerly Invitae), Labcorp
Classification: Benign for Bloom syndrome. Last evaluated: 2026-02-04. Review status: criteria provided, single submitter. Criteria: Invitae Variant Classification Sherloc (09022015). Collection method: clinical testing. Allele origin: germline.

Myriad Genetics, Inc.
Classification: Likely benign for Bloom syndrome. Last evaluated: 2025-12-29. Review status: criteria provided, single submitter. Criteria: Myriad Autosomal Dominant, Autosomal Recessive and X-Linked Classification Criteria (2023). Collection method: clinical testing. Allele origin: unknown.
Comment: This variant is considered likely benign. Homozygosity for this variant has been confirmed in one or more individuals lacking clinical features consistent with gene-specific recessive disease, indicating that this variant is unlikely to be pathogenic.

Women's Health and Genetics/Laboratory Corporation of America, LabCorp
Classification: Likely benign. Last evaluated: 2025-07-08. Review status: criteria provided, single submitter. Criteria: LabCorp Variant Classification Summary - May 2015. Collection method: clinical testing. Allele origin: germline.
Comment: Variant summary: BLM c.2119C>T (p.Pro707Ser) results in a non-conservative amino acid change located in the Helicase superfamily 1/2, ATP-binding domain of the encoded protein sequence. Algorithms developed to predict the effect of missense changes on protein structure and function are either unavailable or do not agree on the potential impact of this missense change. The variant allele was found at a frequency of 0.0016 in 251444 control chromosomes, predominantly at a frequency of 0.0024 within the Non-Finnish European subpopulation in the gnomAD database. This frequency is not significantly higher than estimated for a pathogenic variant in BLM causing Bloom Syndrome (0.0016 vs 0.0035), allowing no conclusion about variant significance. c.2119C>T has been reported in the literature in individuals affected with breast cancer and mesothelioma and in cohorts from Bloom syndrome registries (example: German_2007, Sokolenko_2012, Thompson_2012, Bononi_2020, Moradian_2021). These report(s) do not provide unequivocal conclusions about association of the variant with Bloom Syndrome. Co-occurrences with other pathogenic variants have been reported in patients with breast cancer who did not manifest a full-blown phenotype of Bloom syndrome (BLM c.1642C>T, p.Q548X - twice (Sokolenko_2012), phase not provided). This provides additional supporting evidence for a benign role. A functional study evaluated the variants effect on hypersensitivity to the DNA-damaging agent hydroxyurea and the variant was found to act comparable to wild-type function (example: Mirzaei_2012). The following publications have been ascertained in the context of this evaluation (PMID: 23028338, 17407155, 23129629, 21815139, 30541756, 33558524, 33318203). ClinVar contains an entry for this variant (Variation ID: 127482). Based on the evidence outlined above, the variant was classified as likely benign.

Quest Diagnostics Nichols Institute San Juan Capistrano
Classification: Likely benign. Last evaluated: 2025-02-14. Review status: criteria provided, single submitter. Criteria: Quest Diagnostics criteria. Collection method: clinical testing. Allele origin: unknown.

ARUP Laboratories, Molecular Genetics and Genomics, ARUP Laboratories
Classification: Likely benign for Bloom syndrome. Last evaluated: 2024-12-27. Review status: criteria provided, single submitter. Criteria: ARUP Molecular Germline Variant Investigation Process 2024. Collection method: clinical testing. Allele origin: germline.

Blueprint Genetics
Classification: Likely benign. Last evaluated: 2024-11-25. Review status: criteria provided, single submitter. Criteria: ACMG Guidelines, 2015. Collection method: clinical testing. Allele origin: germline.

KCCC/NGS Laboratory, Kuwait Cancer Control Center
Classification: Benign for Bloom syndrome. Last evaluated: 2023-07-07. Review status: criteria provided, single submitter. Criteria: ACMG Guidelines, 2015. Collection method: clinical testing. Allele origin: germline. Affected: yes.

Genetic Services Laboratory, University of Chicago
Classification: Likely benign. Last evaluated: 2021-12-08. Review status: criteria provided, single submitter. Criteria: ACMG Guidelines, 2015. Collection method: clinical testing. Allele origin: germline. Affected: no.

Institute for Clinical Genetics, University Hospital TU Dresden, University Hospital TU Dresden
Classification: Uncertain significance. Last evaluated: 2021-11-03. Review status: criteria provided, single submitter. Criteria: ACMG Guidelines, 2015. Collection method: clinical testing. Allele origin: germline.

Sema4
Classification: Likely benign for Hereditary cancer-predisposing syndrome. Last evaluated: 2021-05-28. Review status: criteria provided, single submitter. Criteria: Sema4 Curation Guidelines. Collection method: curation. Allele origin: germline.

GeneDx
Classification: Likely benign. Last evaluated: 2021-05-04. Review status: criteria provided, single submitter. Criteria: GeneDx Variant Classification Process June 2021. Collection method: clinical testing. Allele origin: germline. Affected: yes.
Comment: This variant is associated with the following publications: (PMID: 23129629, 21815139, 17407155)

Mendelics
Classification: Likely benign for Bloom syndrome. Last evaluated: 2019-05-28. Review status: criteria provided, single submitter. Criteria: Mendelics Assertion Criteria 2017. Collection method: clinical testing. Allele origin: unknown.

Ambry Genetics
Classification: Likely benign for Hereditary cancer-predisposing syndrome. Last evaluated: 2018-07-12. Review status: criteria provided, single submitter. Criteria: Ambry Variant Classification Scheme 2023. Collection method: clinical testing. Allele origin: germline.

Illumina Laboratory Services, Illumina
Classification: Uncertain significance for Bloom syndrome. Last evaluated: 2017-04-27. Review status: criteria provided, single submitter. Criteria: ICSL Variant Classification Criteria 13 December 2019. Collection method: clinical testing. Allele origin: germline.
Comment: This variant was observed as part of a predisposition screen in an ostensibly healthy population. A literature search was performed for the gene, cDNA change, and amino acid change (where applicable). Publications were found based on this search. However, the evidence from the literature, in combination with allele frequency data from public databases where available, was not sufficient to rule this variant in or out of causing disease. Therefore, this variant is classified as a variant of unknown significance.

Eurofins Ntd Llc (ga)
Classification: Likely benign. Last evaluated: 2015-11-25. Review status: criteria provided, single submitter. Criteria: EGL Classification Definitions 2015. Collection method: clinical testing. Allele origin: germline. Observed: 1 variant allele, 1 heterozygote.

Pathway Genomics
Classification: Likely benign for Bloom syndrome. Last evaluated: 2014-10-30. Review status: criteria provided, single submitter. Criteria: ACMG Guidelines, 2015. Collection method: clinical testing. Allele origin: germline.

PreventionGenetics, part of Exact Sciences
Classification: Likely benign for BLM-related condition. Last evaluated: 2019-04-29. Review status: no assertion criteria provided. Collection method: clinical testing. Allele origin: germline. Not counted in ClinVar's aggregate classification.
Comment: This variant is classified as likely benign based on ACMG/AMP sequence variant interpretation guidelines (Richards et al. 2015 PMID: 25741868, with internal and published modifications).

Natera, Inc.
Classification: Likely benign for Bloom syndrome. Last evaluated: 2017-06-13. Review status: no assertion criteria provided. Collection method: clinical testing. Allele origin: germline. Not counted in ClinVar's aggregate classification.

Clinical Genetics DNA and cytogenetics Diagnostics Lab, Erasmus MC, Erasmus Medical Center
Classification: Likely benign. Review status: no assertion criteria provided. Collection method: clinical testing. Allele origin: germline. Affected: yes. Study: VKGL Data-share Consensus. Not counted in ClinVar's aggregate classification.

Diagnostic Laboratory, Department of Genetics, University Medical Center Groningen
Classification: Likely benign. Review status: no assertion criteria provided. Collection method: clinical testing. Allele origin: germline. Affected: yes. Study: VKGL Data-share Consensus. Not counted in ClinVar's aggregate classification.

Genome Diagnostics Laboratory, University Medical Center Utrecht
Classification: Likely benign. Review status: no assertion criteria provided. Collection method: clinical testing. Allele origin: germline. Affected: yes. Study: VKGL Data-share Consensus. Not counted in ClinVar's aggregate classification.

Joint Genome Diagnostic Labs from Nijmegen and Maastricht, Radboudumc and MUMC+
Classification: Likely benign. Review status: no assertion criteria provided. Collection method: clinical testing. Allele origin: germline. Affected: yes. Study: VKGL Data-share Consensus. Not counted in ClinVar's aggregate classification.

Literature cited by the submitters: PubMed 23028338 (cited by Women's Health and Genetics/Laboratory Corporation of America, LabCorp); PubMed 17407155 (cited by 4 submitters); PubMed 23129629 (cited by 4 submitters); PubMed 21815139 (cited by 5 submitters); PubMed 30541756 (cited by Women's Health and Genetics/Laboratory Corporation of America, LabCorp); PubMed 33558524 (cited by Women's Health and Genetics/Laboratory Corporation of America, LabCorp and Quest Diagnostics Nichols Institute San Juan Capistrano); PubMed 33318203 (cited by Women's Health and Genetics/Laboratory Corporation of America, LabCorp and Quest Diagnostics Nichols Institute San Juan Capistrano); PubMed 29641532 (cited by Quest Diagnostics Nichols Institute San Juan Capistrano); PubMed 35739278 (cited by Quest Diagnostics Nichols Institute San Juan Capistrano).

NM_000057.4(BLM):c.2119C>T (p.Pro707Ser)

Gene: BLM (BLM RecQ like helicase; plus strand). Cytogenetic location: 15q26.1.
Variant type: single nucleotide variant.
Coding change: c.2119C>T on transcript NM_000057.4 (MANE Select); coding-DNA position 2119, C replaced by T.
Protein change: p.Pro707Ser; replaces proline 707 with serine.
Molecular consequence: missense variant.
Genome position (GRCh38, 1-based): chr15:90,765,340, C>T. VCF-style: chr15-90765340-C-T. GRCh37 (hg19) VCF-style: chr15-91308570-C-T.
Other names: p.P707S:CCT>TCT; c.2119C>T, p.Pro707Ser (NM_001287246.2, NM_001287247.2); c.994C>T, p.Pro332Ser (NM_001287248.2); c.2119C>T (LRG_20t1); short protein forms P707S, P332S.
Identifiers: ClinVar variation 127482 (VCV000127482.89), dbSNP rs146077918, ClinGen allele CA274808.
Genomic context (GRCh38, chr15:90,765,340, plus strand): 5'-CATTGTTCTCTTTCAGGAGGTGGTAAGAGTTTGTGTTACCAGCTCCCTGCCTGTGTTTCT[C>T]CTGGGGTCACTGTTGTCATTTCTCCCTTGAGATCACTTATCGTAGATCAAGTCCAAAAGC-3'
Protein context (NP_000048.1, residues 697-717): LCYQLPACVS[Pro707Ser]GVTVVISPLR